The following is an entry in ClinVar:

NM_015107.3(PHF8):c.1848T>C (p.Asp616=)

Gene: PHF8 (PHD finger protein 8; minus strand). Cytogenetic location: Xp11.22.
Variant type: single nucleotide variant.
Coding change: c.1848T>C on transcript NM_015107.3 (MANE Select); coding-DNA position 1848, T replaced by C.
Protein change: p.Asp616=; no amino-acid change (aspartic acid 616 retained).
Molecular consequence: synonymous variant.
Genome position (GRCh38, 1-based): chrX:53,987,827, A>G on the plus strand (T>C on the coding strand, the complement: PHF8 is on the minus strand). VCF-style: chrX-53987827-A-G. GRCh37 (hg19) VCF-style: chrX-54014260-A-G.
Other names: c.1956T>C, p.Asp652= (NM_001184896.1); c.1545T>C, p.Asp515= (NM_001184897.2); c.1848T>C, p.Asp616= (NM_001184898.2).
Identifiers: ClinVar variation 1781282 (VCV001781282.4), dbSNP rs782298593, ClinGen allele CA10423401.

ClinVar aggregate classification (germline): Likely benign. Review status: criteria provided, multiple submitters, no conflicts (2 of 4 stars). 2 submissions from 2 submitters: Likely benign (2). Last evaluated 2026-04-01.

Conditions:
Inborn genetic diseases. Identifiers: MedGen C0950123, MeSH D030342.

Allele frequency attached by ClinVar (database versions not stated): ExAC 0.00001; TOPMed 0.00003.
gnomAD v4.1: 9 of 1,209,097 alleles (0.00074%); highest among the groups gnomAD compares: Admixed American, 0.02%; no homozygotes.

Submissions (2):

CeGaT Center for Human Genetics Tuebingen
Classification: Likely benign. Last evaluated: 2026-04-01. Review status: criteria provided, single submitter. Criteria: CeGaT Center For Human Genetics Tuebingen Variant Classification Criteria Version 2. Collection method: clinical testing. Allele origin: germline. Affected: yes. Observed: 1 variant allele.
Comment: PHF8: BP4, BP7

Ambry Genetics
Classification: Likely benign for Inborn genetic diseases. Last evaluated: 2019-08-02. Review status: criteria provided, single submitter. Criteria: Ambry Variant Classification Scheme 2023. Collection method: clinical testing. Allele origin: germline.